The following is an entry in ClinVar:

NM_001572.5(IRF7):c.329A>G (p.Asp110Gly)

Gene: IRF7 (interferon regulatory factor 7; minus strand). Cytogenetic location: 11p15.5.
Variant type: single nucleotide variant.
Coding change: c.329A>G on transcript NM_001572.5 (MANE Select); coding-DNA position 329, A replaced by G.
Protein change: p.Asp110Gly; replaces aspartic acid 110 with glycine.
Molecular consequence: missense variant.
Genome position (GRCh38, 1-based): chr11:614,862, T>C on the plus strand (A>G on the coding strand, the complement: IRF7 is on the minus strand). VCF-style: chr11-614862-T-C. GRCh37 (hg19) VCF-style: chr11-614862-T-C.
Other names: c.329A>G, p.Asp110Gly (NM_004029.4); c.368A>G, p.Asp123Gly (NM_004031.4); short protein forms D110G, D123G.
Identifiers: ClinVar variation 1014249 (VCV001014249.8), dbSNP rs1245497159, ClinGen allele CA378983050.
Genomic context (GRCh38, chr11:614,862, plus strand): 5'-CAGCACAGCTCCCGGCTGAGCGCGTACACCTTGTGCGGGTCGGCCGGGTCCCCCGAGTTA[T>C]CCCGCAGCATCACGAAGCGACGCGTGCTGCGCAGTGCGCAGCGGAAGTTGGTTTTCCAGC-3'
Protein context (NP_001563.2, residues 100-120): RSTRRFVMLR[Asp110Gly]NSGDPADPHK

ClinVar aggregate classification (germline): Uncertain significance (1 of 4 stars; one submission).

Conditions:
Immunodeficiency 39 (IMD39). Identifiers: Orphanet 574918, MedGen C4225358, MONDO:0014597, OMIM 616345.

Allele frequency attached by ClinVar (database versions not stated): gnomAD 0.00001; gnomAD exomes 0.00001; TOPMed 0.00001.

Submission:

Labcorp Genetics (formerly Invitae), Labcorp
Classification: Uncertain significance for Immunodeficiency 39. Last evaluated: 2022-07-06. Review status: criteria provided, single submitter. Criteria: Invitae Variant Classification Sherloc (09022015). Collection method: clinical testing. Allele origin: germline.
Comment: This variant has not been reported in the literature in individuals affected with IRF7-related conditions. ClinVar contains an entry for this variant (Variation ID: 1014249). Algorithms developed to predict the effect of missense changes on protein structure and function are either unavailable or do not agree on the potential impact of this missense change (SIFT: "Deleterious"; PolyPhen-2: "Probably Damaging"; Align-GVGD: "Class C0"). Algorithms developed to predict the effect of sequence changes on RNA splicing suggest that this variant may create or strengthen a splice site. In summary, the available evidence is currently insufficient to determine the role of this variant in disease. Therefore, it has been classified as a Variant of Uncertain Significance. This variant is not present in population databases (gnomAD no frequency). This sequence change replaces aspartic acid, which is acidic and polar, with glycine, which is neutral and non-polar, at codon 123 of the IRF7 protein (p.Asp123Gly).